The following is an entry in ClinVar:

NM_006946.4(SPTBN2):c.1877T>C (p.Leu626Pro)

Gene: SPTBN2 (spectrin beta, non-erythrocytic 2; minus strand). Cytogenetic location: 11q13.2.
Variant type: single nucleotide variant.
Coding change: c.1877T>C on transcript NM_006946.4 (MANE Select); coding-DNA position 1877, T replaced by C.
Protein change: p.Leu626Pro; replaces leucine 626 with proline.
Molecular consequence: missense variant.
Genome position (GRCh38, 1-based): chr11:66,705,399, A>G on the plus strand (T>C on the coding strand, the complement: SPTBN2 is on the minus strand). VCF-style: chr11-66705399-A-G. GRCh37 (hg19) VCF-style: chr11-66472870-A-G.
Other names: short protein forms L626P.
Identifiers: ClinVar variation 488611 (VCV000488611.8), dbSNP rs1554984881, ClinGen allele CA381479527.

ClinVar aggregate classification (germline): Conflicting classifications of pathogenicity. Review status: criteria provided, conflicting classifications (1 of 4 stars). 4 submissions from 4 submitters: Likely pathogenic (1); Uncertain significance (3). Last evaluated 2021-12-21.

Conditions:
Spinocerebellar ataxia type 5 (SCA5). Identifiers: Orphanet 98766, MedGen C0752123, MONDO:0010848, OMIM 600224.

Submissions (4):

MGZ Medical Genetics Center
Classification: Uncertain significance for Spinocerebellar ataxia type 5. Last evaluated: 2021-12-21. Review status: criteria provided, single submitter. Criteria: ACMG Guidelines, 2015. Collection method: clinical testing. Allele origin: germline. Affected: yes. Observed: 1 variant allele.
Comment: ACMG criteria applied: PS4_SUP, PM2_SUP, PP3

Athena Diagnostics
Classification: Uncertain significance. Last evaluated: 2019-03-01. Review status: criteria provided, single submitter. Criteria: Athena Diagnostics Criteria. Collection method: clinical testing. Allele origin: germline.

Genetic Services Laboratory, University of Chicago
Classification: Uncertain significance. Last evaluated: 2017-09-14. Review status: criteria provided, single submitter. Criteria: ACMG Guidelines, 2015. Collection method: clinical testing. Allele origin: germline. Affected: no.

Institute of Human Genetics Munich, TUM University Hospital
Classification: Likely pathogenic for Spinocerebellar ataxia type 5. Last evaluated: 2017-09-08. Review status: criteria provided, single submitter. Criteria: Classification criteria August 2017. Collection method: clinical testing. Allele origin: germline. Inheritance: Autosomal dominant inheritance. Affected: yes. Observed: 2 heterozygotes.